The following is an entry in ClinVar:

NM_001060.6(TBXA2R):c.106G>A (p.Val36Met)

Gene: TBXA2R (thromboxane A2 receptor; minus strand). Cytogenetic location: 19p13.3.
Variant type: single nucleotide variant.
Coding change: c.106G>A on transcript NM_001060.6 (MANE Select); coding-DNA position 106, G replaced by A.
Protein change: p.Val36Met; replaces valine 36 with methionine.
Molecular consequence: missense variant.
Genome position (GRCh38, 1-based): chr19:3,600,529, C>T on the plus strand (G>A on the coding strand, the complement: TBXA2R is on the minus strand). VCF-style: chr19-3600529-C-T. GRCh37 (hg19) VCF-style: chr19-3600527-C-T.
Other names: p.Val36Met; c.106G>A, p.Val36Met (NM_201636.3); short protein forms V36M.
Identifiers: ClinVar variation 3966320 (VCV003966320.2).

ClinVar aggregate classification (germline): Uncertain significance. Review status: criteria provided, multiple submitters, no conflicts (2 of 4 stars). 2 submissions from 2 submitters: Uncertain significance (2). Last evaluated 2025-10-15.

Conditions:
Inborn genetic diseases. Identifiers: MedGen C0950123, MeSH D030342.

gnomAD v4.1: 22 of 1,612,104 alleles (0.0014%); highest among the groups gnomAD compares: South Asian, 0.021%; no homozygotes.

Submissions (2):

Mayo Clinic Laboratories, Mayo Clinic
Classification: Uncertain significance. Last evaluated: 2025-10-15. Review status: criteria provided, single submitter. Criteria: ACMG Guidelines, 2015. Collection method: clinical testing. Allele origin: germline. Observed: 1 variant allele.
Comment: BP4_moderate

Ambry Genetics
Classification: Uncertain significance for Inborn genetic diseases. Last evaluated: 2025-05-14. Review status: criteria provided, single submitter. Criteria: Ambry Variant Classification Scheme 2023. Collection method: clinical testing. Allele origin: germline.